The following is an entry in ClinVar:

NM_001122630.2(CDKN1C):c.156_157insTTCCAGCTGG (p.Asp53fs)

Gene: CDKN1C (cyclin dependent kinase inhibitor 1C; minus strand). Cytogenetic location: 11p15.4.
Variant type: Insertion.
Coding change: c.156_157insTTCCAGCTGG on transcript NM_001122630.2 (MANE Select); coding-DNA positions 156 to 157, TTCCAGCTGG inserted.
Protein change: p.Asp53fs; shifts the reading frame from aspartic acid 53.
Molecular consequence: frameshift variant.
Genome position: GRCh38 VCF-style: chr11-2885300-C-CCCAGCTGGAA. GRCh37 (hg19) VCF-style: chr11-2906530-C-CCCAGCTGGAA.
Other names: c.189_190insTTCCAGCTGG, p.Asp64fs (LRG_533t1, NM_000076.2, NM_001362474.2); c.156_157insTTCCAGCTGG, p.Asp53fs (NM_001122631.2, NM_001362475.2); short protein forms D64fs, D53fs.
Identifiers: ClinVar variation 524696 (VCV000524696.6), dbSNP rs1554938197, ClinGen allele CA658797582.

ClinVar aggregate classification (germline): Pathogenic (1 of 4 stars; one submission).

Conditions:
Beckwith-Wiedemann syndrome (BWS). Also called: EMG SYNDROME; Exomphalos macroglossia gigantism syndrome. Identifiers: Orphanet 116, MedGen C0004903, MONDO:0007534, OMIM 130650.

Submission:

Labcorp Genetics (formerly Invitae), Labcorp
Classification: Pathogenic for Beckwith-Wiedemann syndrome. Last evaluated: 2021-05-18. Review status: criteria provided, single submitter. Criteria: Invitae Variant Classification Sherloc (09022015). Collection method: clinical testing. Allele origin: germline.
Comment: This variant is not present in population databases (ExAC no frequency). Algorithms developed to predict the effect of sequence changes on RNA splicing suggest that this variant may create or strengthen a splice site, but this prediction has not been confirmed by published transcriptional studies. This variant has not been reported in the literature in individuals with CDKN1C-related conditions. ClinVar contains an entry for this variant (Variation ID: 524696). For these reasons, this variant has been classified as Pathogenic. This sequence change creates a premature translational stop signal (p.Asp64Phefs*64) in the CDKN1C gene. It is expected to result in an absent or disrupted protein product. Loss-of-function variants in CDKN1C are known to be pathogenic (PMID: 20503313).

Literature cited by the submitters: PubMed 20503313.